The following is an entry in ClinVar:

ClinVar aggregate classification (germline): Pathogenic. Review status: criteria provided, multiple submitters, no conflicts (2 of 4 stars). 2 submissions from 2 submitters: Pathogenic (2). Last evaluated 2023-06-12.

Conditions:
Familial thoracic aortic aneurysm and aortic dissection (TAAD). Also called: Thoracic aortic aneurysms and dissections. Identifiers: Orphanet 91387, MedGen C4707243, MONDO:0019625.
Marfan syndrome (MFS). Also called: Marfan syndrome type 1; Marfan's syndrome; Marfan syndrome, classic; MARFAN SYNDROME, TYPE I; FBN1-Related Marfan Syndrome. Identifiers: Orphanet 284963, Orphanet 558, MedGen C0024796, MONDO:0007947, OMIM 154700.

Submissions (2):

Labcorp Genetics (formerly Invitae), Labcorp
Classification: Pathogenic for Marfan syndrome; Familial thoracic aortic aneurysm and aortic dissection. Last evaluated: 2023-06-12. Review status: criteria provided, single submitter. Criteria: Invitae Variant Classification Sherloc (09022015). Collection method: clinical testing. Allele origin: germline.
Comment: This sequence change replaces cysteine, which is neutral and slightly polar, with arginine, which is basic and polar, at codon 926 of the FBN1 protein (p.Cys926Arg). For these reasons, this variant has been classified as Pathogenic. This variant disrupts the p.Cys926 amino acid residue in FBN1. Other variant(s) that disrupt this residue have been observed in individuals with FBN1-related conditions (Invitae), which suggests that this may be a clinically significant amino acid residue. This variant affects a cysteine residue in the EGF-like, TGFBP or hybrid motif domains of FBN1. Cysteine residues are believed to be involved in intramolecular disulfide bridges and have been shown to be important for FBN1 protein structure (PMID: 16905551, 19349279). In addition, missense substitutions affecting cysteine residues within these domains are significantly overrepresented among patients with Marfan syndrome (PMID: 16571647, 17701892). Experimental studies have shown that this missense change affects FBN1 function (PMID: 15161917). Advanced modeling of protein sequence and biophysical properties (such as structural, functional, and spatial information, amino acid conservation, physicochemical variation, residue mobility, and thermodynamic stability) performed at Invitae indicates that this missense variant is expected to disrupt FBN1 protein function. ClinVar contains an entry for this variant (Variation ID: 1075770). This missense change has been observed in individual(s) with Marfan syndrome (PMID: 7611299). It has also been observed to segregate with disease in related individuals. This variant is not present in population databases (gnomAD no frequency).

Centre of Medical Genetics, University of Antwerp
Classification: Pathogenic for Marfan syndrome. Last evaluated: 2021-03-01. Review status: criteria provided, single submitter. Criteria: Submitter's publication. Collection method: research. Allele origin: unknown. Affected: yes.
Comment: PM2, PVS2, PP4

Literature cited by the submitters: PubMed 16905551 (cited by Labcorp Genetics (formerly Invitae), Labcorp); PubMed 19349279 (cited by Labcorp Genetics (formerly Invitae), Labcorp); PubMed 16571647 (cited by Labcorp Genetics (formerly Invitae), Labcorp); PubMed 17701892 (cited by Labcorp Genetics (formerly Invitae), Labcorp); PubMed 15161917 (cited by Labcorp Genetics (formerly Invitae), Labcorp); PubMed 7611299 (cited by Labcorp Genetics (formerly Invitae), Labcorp).

NM_000138.5(FBN1):c.2776T>C (p.Cys926Arg)

Gene: FBN1 (fibrillin 1; minus strand). Cytogenetic location: 15q21.1.
Variant type: single nucleotide variant.
Coding change: c.2776T>C on transcript NM_000138.5 (MANE Select); coding-DNA position 2776, T replaced by C.
Protein change: p.Cys926Arg; replaces cysteine 926 with arginine.
Molecular consequence: missense variant.
Genome position (GRCh38, 1-based): chr15:48,492,539, A>G on the plus strand (T>C on the coding strand, the complement: FBN1 is on the minus strand). VCF-style: chr15-48492539-A-G. GRCh37 (hg19) VCF-style: chr15-48784736-A-G.
Other names: short protein forms C926R.
Identifiers: ClinVar variation 1075770 (VCV001075770.26), dbSNP rs2141300401, ClinGen allele CA16602233.